The following is an entry in ClinVar:

NM_080860.4(RSPH1):c.399G>A (p.Thr133=)

Gene: RSPH1 (radial spoke head component 1; minus strand). Cytogenetic location: 21q22.3.
Variant type: single nucleotide variant.
Coding change: c.399G>A on transcript NM_080860.4 (MANE Select); coding-DNA position 399, G replaced by A.
Protein change: p.Thr133=; no amino-acid change (threonine 133 retained).
Molecular consequence: synonymous variant.
Genome position (GRCh38, 1-based): chr21:42,485,771, C>T on the plus strand (G>A on the coding strand, the complement: RSPH1 is on the minus strand). VCF-style: chr21-42485771-C-T. GRCh37 (hg19) VCF-style: chr21-43905881-C-T.
Other names: c.285G>A, p.Thr95= (NM_001286506.2).
Identifiers: ClinVar variation 766462 (VCV000766462.32), dbSNP rs760016966, ClinGen allele CA10043945.

ClinVar aggregate classification (germline): Likely benign. Review status: criteria provided, multiple submitters, no conflicts (2 of 4 stars). 2 submissions from 2 submitters: Likely benign (2). Last evaluated 2025-04-23.

Conditions:
Primary ciliary dyskinesia. Also called: Ciliary dyskinesia. Identifiers: Orphanet 244, MedGen C0008780, MONDO:0016575, HP:0012265.

Allele frequency attached by ClinVar (database versions not stated): gnomAD 0.00001 and 0.00002; ExAC 0.00002; TOPMed 0.00002; gnomAD exomes 0.00003.
gnomAD v4.1: 43 of 1,614,060 alleles (0.0027%); highest among the groups gnomAD compares: Non-Finnish European, 0.0032%; no homozygotes.

Submissions (2):

Labcorp Genetics (formerly Invitae), Labcorp
Classification: Likely benign for Primary ciliary dyskinesia. Last evaluated: 2025-04-23. Review status: criteria provided, single submitter. Criteria: Invitae Variant Classification Sherloc (09022015). Collection method: clinical testing. Allele origin: germline.

CeGaT Center for Human Genetics Tuebingen
Classification: Likely benign. Last evaluated: 2023-08-01. Review status: criteria provided, single submitter. Criteria: CeGaT Center For Human Genetics Tuebingen Variant Classification Criteria Version 2. Collection method: clinical testing. Allele origin: germline. Affected: yes. Observed: 1 variant allele.
Comment: RSPH1: BP4, BP7